The following is an entry in ClinVar:

NM_001374623.1(PNPLA1):c.157T>C (p.Ser53Pro)

Gene: PNPLA1 (patatin like domain 1, omega-hydroxyceramide transacylase; plus strand). Cytogenetic location: 6p21.31.
Variant type: single nucleotide variant.
Coding change: c.157T>C on transcript NM_001374623.1 (MANE Select); coding-DNA position 157, T replaced by C.
Protein change: p.Ser53Pro; replaces serine 53 with proline.
Molecular consequence: missense variant. On other transcripts: intron variant (2).
Genome position (GRCh38, 1-based): chr6:36,270,616, T>C. VCF-style: chr6-36270616-T-C. GRCh37 (hg19) VCF-style: chr6-36238393-T-C.
Other names: c.-80-20704T>C (NM_001145716.2, NM_173676.2); c.157T>C, p.Ser53Pro (NM_001145717.1); short protein forms S53P.
Identifiers: ClinVar variation 684646 (VCV000684646.2), dbSNP rs1582046125, ClinGen allele CA363805419.

ClinVar aggregate classification (germline): Pathogenic. Review status: criteria provided, single submitter (1 of 4 stars). 2 submissions from 2 submitters: Pathogenic (1). 1 of the submissions does not count toward it. Last evaluated 2025-12-10.

Conditions:
Congenital ichthyosiform erythroderma. Identifiers: MedGen C0079583, HP:0007431.
Lamellar ichthyosis. Identifiers: Orphanet 313, MedGen C5848247, MONDO:0017778.

Submissions (2):

Women's Health and Genetics/Laboratory Corporation of America, LabCorp
Classification: Pathogenic for Lamellar ichthyosis. Last evaluated: 2025-12-10. Review status: criteria provided, single submitter. Criteria: LabCorp Variant Classification Summary - May 2015. Collection method: clinical testing. Allele origin: germline.
Comment: Variant summary: PNPLA1 c.157T>C (p.Ser53Pro) results in a non-conservative amino acid change in the encoded protein sequence. Algorithms developed to predict the effect of missense changes on protein structure and function all suggest that this variant is likely to be disruptive. The variant was absent in 153104 control chromosomes (gnomAD). c.157T>C has been observed in an individual(s) affected with Lamellar Ichthyosis (Boyden_2017). These data indicate that the variant may be associated with disease. A different variant affecting the same codon has been classified as likely pathogenic by our lab (c.158C>T, p.Ser53Leu), supporting the critical relevance of codon 53 to PNPLA1 protein function. At least one publication reports experimental evidence evaluating an impact on protein function. The most pronounced variant effect results in <10% of normal activity (Nohara_2022). The following publications have been ascertained in the context of this evaluation (PMID: 28403545, 34851365, 35970721). ClinVar contains an entry for this variant (Variation ID: 684646). Based on the evidence outlined above, the variant was classified as pathogenic.

Yale Center for Mendelian Genomics, Yale University
Classification: Pathogenic for Congenital ichthyosis. Last evaluated: 2017-06-07. Review status: no assertion criteria provided. Collection method: literature only. Allele origin: de novo. Affected: yes. Observed: 1 homozygote. Not counted in ClinVar's aggregate classification.

Literature cited by the submitters: PubMed 35970721 (cited by Women's Health and Genetics/Laboratory Corporation of America, LabCorp); PubMed 28403545 (cited by Women's Health and Genetics/Laboratory Corporation of America, LabCorp and Yale Center for Mendelian Genomics, Yale University); PubMed 34851365 (cited by Women's Health and Genetics/Laboratory Corporation of America, LabCorp).